The following is an entry in ClinVar:

NM_032608.7(MYO18B):c.6650C>T (p.Ser2217Phe)

Gene: MYO18B (myosin XVIIIB; plus strand). Cytogenetic location: 22q12.1.
Variant type: single nucleotide variant.
Coding change: c.6650C>T on transcript NM_032608.7 (MANE Select); coding-DNA position 6650, C replaced by T.
Protein change: p.Ser2217Phe; replaces serine 2217 with phenylalanine.
Molecular consequence: missense variant.
Genome position (GRCh38, 1-based): chr22:26,026,624, C>T. VCF-style: chr22-26026624-C-T. GRCh37 (hg19) VCF-style: chr22-26422590-C-T.
Other names: c.6653C>T, p.Ser2218Phe (NM_001318245.2); c.6650C>T (NM_032608.5); short protein forms S2218F, S2217F.
Identifiers: ClinVar variation 1376595 (VCV001376595.6), dbSNP rs377697717, ClinGen allele CA10161581.

ClinVar aggregate classification (germline): Uncertain significance. Review status: criteria provided, multiple submitters, no conflicts (2 of 4 stars). 2 submissions from 2 submitters: Uncertain significance (2). Last evaluated 2025-08-05.

Conditions:
Inborn genetic diseases. Identifiers: MedGen C0950123, MeSH D030342.

Allele frequency attached by ClinVar (database versions not stated): gnomAD 0.00003 and 0.00004; TOPMed 0.00003; gnomAD exomes 0.00004 and 0.00005; ExAC 0.00007; ESP Exome Variant Server 0.00008.
gnomAD v4.1: 59 of 1,613,686 alleles (0.0037%); highest among the groups gnomAD compares: Non-Finnish European, 0.0047%; no homozygotes.

Submissions (2):

Ambry Genetics
Classification: Uncertain significance for Inborn genetic diseases. Last evaluated: 2025-08-05. Review status: criteria provided, single submitter. Criteria: Ambry Variant Classification Scheme 2023. Collection method: clinical testing. Allele origin: germline.

Labcorp Genetics (formerly Invitae), Labcorp
Classification: Uncertain significance. Last evaluated: 2021-08-14. Review status: criteria provided, single submitter. Criteria: Invitae Variant Classification Sherloc (09022015). Collection method: clinical testing. Allele origin: germline.
Comment: This sequence change replaces serine with phenylalanine at codon 2217 of the MYO18B protein (p.Ser2217Phe). The serine residue is weakly conserved and there is a large physicochemical difference between serine and phenylalanine. This variant is present in population databases (rs377697717, ExAC 0.01%). This variant has not been reported in the literature in individuals affected with MYO18B-related conditions. Algorithms developed to predict the effect of missense changes on protein structure and function are either unavailable or do not agree on the potential impact of this missense change (SIFT: "Not Available"; PolyPhen-2: "Benign"; Align-GVGD: "Not Available"). In summary, the available evidence is currently insufficient to determine the role of this variant in disease. Therefore, it has been classified as a Variant of Uncertain Significance.